The following is an entry in ClinVar:

ClinVar aggregate classification (germline): Uncertain significance (1 of 4 stars; one submission).

Conditions:
Cardiovascular phenotype. Identifiers: MedGen CN230736.

Submission:

Ambry Genetics
Classification: Uncertain significance for Cardiovascular phenotype. Last evaluated: 2023-12-03. Review status: criteria provided, single submitter. Criteria: Ambry Variant Classification Scheme 2023. Collection method: clinical testing. Allele origin: germline.
Comment: The p.A569G variant (also known as c.1706C>G), located in coding exon 11 of the FLNC gene, results from a C to G substitution at nucleotide position 1706. The alanine at codon 569 is replaced by glycine, an amino acid with similar properties. This amino acid position is conserved. In addition, the in silico prediction for this alteration is inconclusive. Since supporting evidence is limited at this time, the clinical significance of this alteration remains unclear.

NM_001458.5(FLNC):c.1706C>G (p.Ala569Gly)

Gene: FLNC (filamin C; plus strand). Cytogenetic location: 7q32.1.
Variant type: single nucleotide variant.
Coding change: c.1706C>G on transcript NM_001458.5 (MANE Select); coding-DNA position 1706, C replaced by G.
Protein change: p.Ala569Gly; replaces alanine 569 with glycine.
Molecular consequence: missense variant.
Genome position (GRCh38, 1-based): chr7:128,840,863, C>G. VCF-style: chr7-128840863-C-G. GRCh37 (hg19) VCF-style: chr7-128480917-C-G.
Other names: c.1706C>G, p.Ala569Gly (NM_001127487.2); short protein forms A569G.
Identifiers: ClinVar variation 3221703 (VCV003221703.1), dbSNP rs2128935115, ClinGen allele CA369226906.